The following is an entry in ClinVar:

NM_001308120.2(TOGARAM1):c.3619C>T (p.Arg1207Ter)

Gene: TOGARAM1 (TOG array regulator of axonemal microtubules 1; plus strand). Cytogenetic location: 14q21.2.
Variant type: single nucleotide variant.
Coding change: c.3619C>T on transcript NM_001308120.2 (MANE Select); coding-DNA position 3619, C replaced by T.
Protein change: p.Arg1207Ter; replaces arginine 1207 with a stop codon.
Molecular consequence: nonsense. On other transcripts: non-coding transcript variant (1).
Genome position (GRCh38, 1-based): chr14:45,028,290, C>T. VCF-style: chr14-45028290-C-T. GRCh37 (hg19) VCF-style: chr14-45497493-C-T.
Other names: R1207*; c.3619C>T, p.Arg1207Ter (NM_015091.4).
Identifiers: ClinVar variation 997691 (VCV000997691.5), dbSNP rs370236552, ClinGen allele CA259611914.

ClinVar aggregate classification (germline): Pathogenic. Review status: criteria provided, single submitter (1 of 4 stars). 2 submissions from 2 submitters: Pathogenic (1). 1 of the submissions does not count toward it.

Conditions:
Joubert syndrome 37. Identifiers: MedGen C5543064, MONDO:0030933, OMIM 619185.

Allele frequency attached by ClinVar (database versions not stated): gnomAD 0.00001; gnomAD exomes 0.00001; ESP Exome Variant Server 0.00008.
gnomAD v4.1: 10 of 1,594,934 alleles (0.00063%); highest among the groups gnomAD compares: African/African-American, 0.0027%; no homozygotes.

Submissions (2):

Juno Genomics, Hangzhou Juno Genomics, Inc
Classification: Pathogenic for Joubert syndrome 37. Review status: criteria provided, single submitter. Criteria: ACMG Guidelines, 2015. Collection method: clinical testing. Allele origin: germline.
Comment: Absent from controls (or at extremely low frequency if recessive) in Genome Aggregation Database.;Null variant in a gene where loss of function (LOF) is a known mechanism of disease.;For recessive disorders, detected in trans with a pathogenic variant.;Co-segregation with disease in multiple affected family members.

OMIM
Classification: Pathogenic for JOUBERT SYNDROME 37. Last evaluated: 2021-08-13. Review status: no assertion criteria provided. Collection method: literature only. Allele origin: germline. Not counted in ClinVar's aggregate classification.

Literature cited by the submitters: PubMed 32747439 (cited by OMIM).